The following is an entry in ClinVar:

ClinVar aggregate classification (germline): Pathogenic (1 of 4 stars; one submission).

Conditions:
Neuroocular syndrome 1 (NOC1). Identifiers: Orphanet 659904, MedGen C5925133, MONDO:0971007, OMIM 619539.

Submission:

Molecular Genetics Department, Kulakov National Medical Research Center for Obstetrics, Gynecology and Perinatology
Classification: Pathogenic for Neuroocular syndrome 1. Review status: criteria provided, single submitter. Criteria: ACMG Guidelines, 2015. Collection method: clinical testing. Allele origin: de novo. Affected: yes. Observed: 1 variant allele.
Comment: A previously undescribed heterozygous nucleotide variant creates a frameshift p.Arg1575GlyfsTer73 in the PRR12 gene. Heterozygous variants are reported in patients with neuroocular syndrome, 619539. The variant is not present in population database (gnomAD no frequency). Sanger sequencing revealed that the variant arose de novo (parentage confirmed). In summary, this variant has been classified as pathogenic.

NM_020719.3(PRR12):c.4723del (p.Arg1575fs)

Gene: PRR12 (proline rich 12; plus strand). Cytogenetic location: 19q13.33.
Variant type: Deletion.
Coding change: c.4723del on transcript NM_020719.3 (MANE Select); coding-DNA position 4723, one base deleted (C; older notation c.4723delC).
Protein change: p.Arg1575fs; shifts the reading frame from arginine 1575.
Molecular consequence: frameshift variant.
Genome position (GRCh38, 1-based): chr19:49,601,868, C deleted; the last of 2 consecutive C bases (chr19:49,601,867-49,601,868); deleting either gives the same sequence. VCF-style (leftmost placement, unchanged base first): chr19-49601866-TC-T. GRCh37 (hg19) VCF-style: chr19-50105123-TC-T.
Other names: short protein forms R1575fs.
Identifiers: ClinVar variation 4294534 (VCV004294534.1).
Genomic context (GRCh38, chr19:49,601,866, plus strand): 5'-CGGCGGCAGTGTGTGGGGAGACGGACGAGGAGGCCGGCGAGAGTGGCGGAGAGGGCATCT[TC>T]CGGGAACGGGACGAGTTCGTCATCCGTGCTGAGGACATCCCTTCCCTCAAGGTGAGTCCC-3'